The following is an entry in ClinVar:

ClinVar aggregate classification (germline): Likely benign (1 of 4 stars; one submission).

Submission:

CeGaT Center for Human Genetics Tuebingen
Classification: Likely benign. Last evaluated: 2026-03-01. Review status: criteria provided, single submitter. Criteria: CeGaT Center For Human Genetics Tuebingen Variant Classification Criteria Version 2. Collection method: clinical testing. Allele origin: germline. Affected: yes. Observed: 1 variant allele.
Comment: HERC2: PM2:Supporting, BP4, BP7

NM_004667.6(HERC2):c.11446T>C (p.Leu3816=)

Gene: HERC2 (HECT and RLD domain containing E3 ubiquitin protein ligase 2; minus strand). Cytogenetic location: 15q13.1.
Variant type: single nucleotide variant.
Coding change: c.11446T>C on transcript NM_004667.6 (MANE Select); coding-DNA position 11446, T replaced by C.
Protein change: p.Leu3816=; no amino-acid change (leucine 3816 retained).
Molecular consequence: synonymous variant.
Genome position (GRCh38, 1-based): chr15:28,142,925, A>G on the plus strand (T>C on the coding strand, the complement: HERC2 is on the minus strand). VCF-style: chr15-28142925-A-G. GRCh37 (hg19) VCF-style: chr15-28388071-A-G.
Identifiers: ClinVar variation 4823805 (VCV004823805.4).